The following is an entry in ClinVar:

ClinVar aggregate classification (germline): Uncertain significance. Review status: criteria provided, multiple submitters, no conflicts (2 of 4 stars). 3 submissions from 3 submitters: Uncertain significance (3). Last evaluated 2025-03-01.

Conditions:
Hereditary breast ovarian cancer syndrome. Also called: Hereditary breast and ovarian cancer; Hereditary breast and ovarian cancer syndrome (HBOC); BRCA1- and BRCA2-Associated Hereditary Breast and Ovarian Cancer; Hereditary breast and ovarian cancer syndrome; Hereditary breast and/or ovarian cancer syndrome; Breast and ovarian cancer. Identifiers: Orphanet 145, MedGen C0677776, MeSH D061325, MONDO:0003582. Disease mechanism: loss of function.
BRCA1-related cancer predisposition. Identifiers: MedGen CN377757, MONDO:0700268.
Hereditary cancer-predisposing syndrome. Also called: Hereditary Cancer Syndrome; Tumor predisposition; Hereditary neoplastic syndrome; Neoplastic Syndromes, Hereditary. Identifiers: Orphanet 140162, MedGen C0027672, MeSH D009386, MONDO:0015356.

gnomAD v4.1: 1 of 1,613,400 alleles (0.000062%); highest among the groups gnomAD compares: South Asian, 0.0011%; no homozygotes.

Submissions (3):

Labcorp Genetics (formerly Invitae), Labcorp
Classification: Uncertain significance for Hereditary breast ovarian cancer syndrome. Last evaluated: 2025-03-01. Review status: criteria provided, single submitter. Criteria: Invitae Variant Classification Sherloc (09022015). Collection method: clinical testing. Allele origin: germline.
Comment: This sequence change replaces asparagine, which is neutral and polar, with lysine, which is basic and polar, at codon 569 of the BRCA1 protein (p.Asn569Lys). This variant is not present in population databases (gnomAD no frequency). This variant has not been reported in the literature in individuals affected with BRCA1-related conditions. ClinVar contains an entry for this variant (Variation ID: 3261454). Invitae Evidence Modeling of protein sequence and biophysical properties (such as structural, functional, and spatial information, amino acid conservation, physicochemical variation, residue mobility, and thermodynamic stability) indicates that this missense variant is not expected to disrupt BRCA1 protein function with a negative predictive value of 80%. In summary, the available evidence is currently insufficient to determine the role of this variant in disease. Therefore, it has been classified as a Variant of Uncertain Significance.

Ambry Genetics
Classification: Uncertain significance for Hereditary cancer-predisposing syndrome. Last evaluated: 2024-03-19. Review status: criteria provided, single submitter. Criteria: Ambry Variant Classification Scheme 2023. Collection method: clinical testing. Allele origin: germline.
Comment: The p.N569K variant (also known as c.1707C>A), located in coding exon 9 of the BRCA1 gene, results from a C to A substitution at nucleotide position 1707. The asparagine at codon 569 is replaced by lysine, an amino acid with similar properties. This amino acid position is conserved. In addition, the in silico prediction for this alteration is inconclusive. Based on the available evidence, the clinical significance of this alteration remains unclear.

All of Us Research Program, National Institutes of Health
Classification: Uncertain significance for BRCA1-related cancer predisposition. Last evaluated: 2024-02-22. Review status: criteria provided, single submitter. Criteria: ACMG Guidelines, 2015. Collection method: clinical testing. Allele origin: germline. Inheritance: Autosomal dominant inheritance. Observed: 1 variant allele, 1 heterozygote.
Comment: This missense variant replaces asparagine with lysine at codon 569 of the BRCA1 protein. Computational prediction suggests that this variant may not impact protein structure and function. To our knowledge, functional studies have not been reported for this variant. This variant has not been reported in individuals affected with BRCA1-related disorders in the literature. This variant has not been identified in the general population by the Genome Aggregation Database (gnomAD). The available evidence is insufficient to determine the role of this variant in disease conclusively. Therefore, this variant is classified as a Variant of Uncertain Significance.

This study involves interpretation of variants in research participants for the purpose of population health screening. Participant phenotype was not available at the time of variant classification. Additional details can be found in publication PMID: 35346344, PMCID: PMC8962531

NM_007294.4(BRCA1):c.1707C>A (p.Asn569Lys)

Gene: BRCA1 (BRCA1 DNA repair associated; minus strand). Cytogenetic location: 17q21.31.
Variant type: single nucleotide variant.
Coding change: c.1707C>A on transcript NM_007294.4 (MANE Select); coding-DNA position 1707, C replaced by A.
Protein change: p.Asn569Lys; replaces asparagine 569 with lysine.
Molecular consequence: missense variant. On other transcripts: intron variant (137).
Genome position (GRCh38, 1-based): chr17:43,093,824, G>T on the plus strand (C>A on the coding strand, the complement: BRCA1 is on the minus strand). VCF-style: chr17-43093824-G-T. GRCh37 (hg19) VCF-style: chr17-41245841-G-T.
Other names: c.1584C>A, p.Asn528Lys (NM_001407919.1, NM_001407648.1, NM_001407664.1 and 19 more transcripts); c.1443C>A, p.Asn481Lys (NM_001407920.1, NM_001407921.1, NM_001407922.1 and 9 more transcripts); c.1494C>A, p.Asn498Lys (NM_001407571.1, NM_001407853.1, NM_001407894.1 and 9 more transcripts); c.1707C>A, p.Asn569Lys (NM_001407581.1, NM_001407582.1, NM_001407583.1 and 30 more transcripts); c.1704C>A, p.Asn568Lys (NM_001407587.1, NM_001407590.1, NM_001407591.1 and 22 more transcripts); c.1698C>A, p.Asn566Lys (NM_001407646.1, NM_001407647.1); c.1581C>A, p.Asn527Lys (NM_001407649.1, NM_001407670.1, NM_001407671.1 and 11 more transcripts); c.1629C>A, p.Asn543Lys (NM_001407653.1, NM_001407654.1, NM_001407655.1 and 4 more transcripts); and 40 more; short protein forms N442K, N457K, N458K, N480K, N498K, N501K, N502K, N527K.
Identifiers: ClinVar variation 3261454 (VCV003261454.4).